The following is an entry in ClinVar:

NM_181486.4(TBX5):c.668C>T (p.Thr223Met)

Gene: TBX5 (T-box transcription factor 5; minus strand). Cytogenetic location: 12q24.21.
Variant type: single nucleotide variant.
Coding change: c.668C>T on transcript NM_181486.4 (MANE Select); coding-DNA position 668, C replaced by T.
Protein change: p.Thr223Met; replaces threonine 223 with methionine.
Molecular consequence: missense variant.
Genome position (GRCh38, 1-based): chr12:114,385,563, G>A on the plus strand (C>T on the coding strand, the complement: TBX5 is on the minus strand). VCF-style: chr12-114385563-G-A. GRCh37 (hg19) VCF-style: chr12-114823368-G-A.
Other names: c.668C>T, p.Thr223Met (NM_000192.3); c.518C>T, p.Thr173Met (NM_080717.4); c.668C>T (NM_181486.2); short protein forms T223M, T173M.
Identifiers: ClinVar variation 449105 (VCV000449105.18), dbSNP rs1555225344, ClinGen allele CA386859862.

ClinVar aggregate classification (germline): Pathogenic. Review status: criteria provided, multiple submitters, no conflicts (2 of 4 stars). 6 submissions from 6 submitters: Pathogenic (5). 1 of the submissions does not count toward it. Last evaluated 2025-05-06.

Conditions:
TBX5-related disorder. Also called: TBX5-related condition.
Aortic valve disease 2 (AOVD2). Identifiers: MedGen C3542024, MONDO:0013902, OMIM 614823.
Holt-Oram syndrome (HOS). Also called: TBX5-Related Holt-Oram Syndrome; Ventriculo-radial syndrome; Cardiac-limb syndrome; Heart-hand syndrome, type 1. Identifiers: Orphanet 392, MedGen C0265264, MONDO:0007732, OMIM 142900.

Submissions (6):

Labcorp Genetics (formerly Invitae), Labcorp
Classification: Pathogenic for Aortic valve disease 2. Last evaluated: 2025-05-06. Review status: criteria provided, single submitter. Criteria: Invitae Variant Classification Sherloc (09022015). Collection method: clinical testing. Allele origin: germline.
Comment: This sequence change replaces threonine, which is neutral and polar, with methionine, which is neutral and non-polar, at codon 223 of the TBX5 protein (p.Thr223Met). This variant is not present in population databases (gnomAD no frequency). This missense change has been observed in individuals with Holt-Oram Syndrome (PMID: 12789647, 16183809). It has also been observed to segregate with disease in related individuals. ClinVar contains an entry for this variant (Variation ID: 449105). Invitae Evidence Modeling of protein sequence and biophysical properties (such as structural, functional, and spatial information, amino acid conservation, physicochemical variation, residue mobility, and thermodynamic stability) indicates that this missense variant is not expected to disrupt TBX5 protein function with a negative predictive value of 80%. For these reasons, this variant has been classified as Pathogenic.

Rady Children's Institute for Genomic Medicine, Rady Children's Hospital San Diego
Classification: Pathogenic for Holt-Oram Syndrome. Last evaluated: 2024-11-12. Review status: criteria provided, single submitter. Criteria: ACMG Guidelines, 2015. Collection method: clinical testing. Allele origin: germline. Affected: yes.
Comment: The c.668C>T (p.Thr223Met) variant affects a highly conserved amino acid and is predicted by multiple in silico tools to have a deleterious effect on protein function. This variant has been previously reported as a heterozygous change in individuals with Holt-Oram Syndrome (PMID: 31502745, 30552424, 16183809, 12789647). The c.668C>T (p.Thr223Met) variant is located in a mutational hotspot for pathogenic variations associated with Holt-Oram Syndrome (PMID: 12789647). Functional studies indicate this variant may lead to reduced binding affinity (PMID: 20450920). The c.668C>T (p.Thr223Met) variant is absent from the latest version of the gnomAD population database and thus is presumed to be rare. Based on the available evidence, c.668C>T (p.Thr223Met) is classified as Pathogenic.

Victorian Clinical Genetics Services, Murdoch Childrens Research Institute
Classification: Pathogenic for Holt-Oram syndrome. Last evaluated: 2023-07-17. Review status: criteria provided, single submitter. Criteria: ACMG Guidelines, 2015. Collection method: clinical testing. Allele origin: germline. Inheritance: Autosomal dominant inheritance. Affected: yes.
Comment: Based on the classification scheme VCGS_Germline_v1.3.4, this variant is classified as Pathogenic. Following criteria are met: 0103 - Loss of function and gain of function are known mechanisms of disease in this gene and are associated with Holt-Oram syndrome (MIM#142900). Variants resulting in a premature termination codon have a loss of function effect, while both loss- and gain of function have been demonstrated by missense variants (PMID: 18451335). Dominant negative has also been suggested as a mechanism in individuals with severe congenital heart disease (PMID: 30552424). (I) 0107 - This gene is associated with autosomal dominant disease. (I) 0112 - The condition associated with this gene has incomplete penetrance (PMID: 30552424). (I) 0200 - Variant is predicted to result in a missense amino acid change from threonine to methionine. (I) 0251 - This variant is heterozygous. (I) 0301 - Variant is absent from gnomAD (both v2 and v3). (SP) 0501 - Missense variant consistently predicted to be damaging by multiple in silico tools and very highly conserved with a moderate amino acid change. 0600 - Variant is located in the annotated T-box domain (DECIPHER). (I) 0801 - This variant has strong previous evidence of pathogenicity in unrelated individuals. This variant has been classified as likely pathogenic and pathogenic by multiple clinical diagnostic laboratories and has been reported in multiple individuals with Holt-Oram syndrome (ClinVar; PMIDs: 12789647, 29451098, 31502745). (SP) 0901 - This variant has strong evidence for segregation with disease. This variant has been shown to segregate in five affected individuals across two unrelated families (PMID: 12789647). (SP) 1208 - Inheritance information for this variant is not currently available in this individual. (I) Legend: (SP) - Supporting pathogenic, (I) - Information, (SB) - Supporting benign

GeneDx
Classification: Pathogenic. Last evaluated: 2022-02-07. Review status: criteria provided, single submitter. Criteria: GeneDx Variant Classification Process June 2021. Collection method: clinical testing. Allele origin: germline. Affected: yes.
Comment: Published functional studies demonstrate that T223M interferes with the normal DNA-binding of the TBX5 protein (Stirnimann et al., 2010; Darwich et al., 2017; Markunas et al., 2021); Not observed at significant frequency in large population cohorts (gnomAD); In silico analysis supports that this missense variant has a deleterious effect on protein structure/function; This variant is associated with the following publications: (PMID: 25680289, 24343878, 15355425, 25263169, 15710732, 16183809, 12789647, 31502745, 30552424, 26926761, 20450920, 33369127, 28164238, 34917776, 27535533)

Blueprint Genetics
Classification: Pathogenic for TBX5-related disorders. Last evaluated: 2020-03-31. Review status: criteria provided, single submitter. Criteria: ACMG Guidelines, 2015. Collection method: clinical testing. Allele origin: germline. Affected: yes. Observed: 3 variant alleles.

Centre de Biologie Pathologie Génétique, Centre Hospitalier Universitaire de Lille
Classification: Likely pathogenic for Holt-Oram syndrome. Last evaluated: 2018-06-14. Review status: no assertion criteria provided. Collection method: clinical testing. Allele origin: unknown. Affected: yes. Not counted in ClinVar's aggregate classification.

Literature cited by the submitters: PubMed 12789647 (cited by 3 submitters); PubMed 16183809 (cited by Labcorp Genetics (formerly Invitae), Labcorp and Rady Children's Institute for Genomic Medicine, Rady Children's Hospital San Diego); PubMed 31502745 (cited by Rady Children's Institute for Genomic Medicine, Rady Children's Hospital San Diego and Victorian Clinical Genetics Services, Murdoch Childrens Research Institute); PubMed 30552424 (cited by Rady Children's Institute for Genomic Medicine, Rady Children's Hospital San Diego and Victorian Clinical Genetics Services, Murdoch Childrens Research Institute); PubMed 20450920 (cited by Rady Children's Institute for Genomic Medicine, Rady Children's Hospital San Diego); PubMed 18451335 (cited by Victorian Clinical Genetics Services, Murdoch Childrens Research Institute); PubMed 29451098 (cited by Victorian Clinical Genetics Services, Murdoch Childrens Research Institute).